The following is an entry in ClinVar:

ClinVar aggregate classification (germline): Uncertain significance. Review status: criteria provided, multiple submitters, no conflicts (2 of 4 stars). 3 submissions from 3 submitters: Uncertain significance (2). 1 of the submissions does not count toward it. Last evaluated 2025-12-11.

Conditions:
PLXNA2-related disorder. Also called: PLXNA2-related condition.

Allele frequency attached by ClinVar (database versions not stated): TOPMed 0.00001; gnomAD 0.00003; ExAC 0.00007.
gnomAD v4.1: 41 of 1,613,858 alleles (0.0025%); highest among the groups gnomAD compares: Non-Finnish European, 0.0022%; no homozygotes.

Submissions (3):

Ambry Genetics
Classification: Uncertain significance. Last evaluated: 2025-12-11. Review status: criteria provided, single submitter. Criteria: Ambry Variant Classification Scheme 2023. Collection method: clinical testing. Allele origin: germline.

Labcorp Genetics (formerly Invitae), Labcorp
Classification: Uncertain significance. Last evaluated: 2024-03-13. Review status: criteria provided, single submitter. Criteria: Invitae Variant Classification Sherloc (09022015). Collection method: clinical testing. Allele origin: germline.
Comment: This sequence change replaces arginine, which is basic and polar, with glutamine, which is neutral and polar, at codon 484 of the PLXNA2 protein (p.Arg484Gln). This variant is present in population databases (no rsID available, gnomAD 0.009%). This variant has not been reported in the literature in individuals affected with PLXNA2-related conditions. Advanced modeling of protein sequence and biophysical properties (such as structural, functional, and spatial information, amino acid conservation, physicochemical variation, residue mobility, and thermodynamic stability) performed at Invitae indicates that this missense variant is not expected to disrupt PLXNA2 protein function with a negative predictive value of 80%. In summary, the available evidence is currently insufficient to determine the role of this variant in disease. Therefore, it has been classified as a Variant of Uncertain Significance.

PreventionGenetics, part of Exact Sciences
Classification: Uncertain significance for PLXNA2-related condition. Last evaluated: 2024-05-14. Review status: no assertion criteria provided. Collection method: clinical testing. Allele origin: germline. Not counted in ClinVar's aggregate classification.
Comment: The PLXNA2 c.1451G>A variant is predicted to result in the amino acid substitution p.Arg484Gln. To our knowledge, this variant has not been reported in the literature. This variant is reported in 0.0078% of alleles in individuals of European (Non-Finnish) descent in gnomAD. At this time, the clinical significance of this variant is uncertain due to the absence of conclusive functional and genetic evidence.

NM_025179.4(PLXNA2):c.1451G>A (p.Arg484Gln)

Gene: PLXNA2 (plexin A2; minus strand). Cytogenetic location: 1q32.2.
Variant type: single nucleotide variant.
Coding change: c.1451G>A on transcript NM_025179.4 (MANE Select); coding-DNA position 1451, G replaced by A.
Protein change: p.Arg484Gln; replaces arginine 484 with glutamine.
Molecular consequence: missense variant.
Genome position (GRCh38, 1-based): chr1:208,142,384, C>T on the plus strand (G>A on the coding strand, the complement: PLXNA2 is on the minus strand). VCF-style: chr1-208142384-C-T. GRCh37 (hg19) VCF-style: chr1-208315729-C-T.
Other names: short protein forms R484Q.
Identifiers: ClinVar variation 3054533 (VCV003054533.5), dbSNP rs1346356430, ClinGen allele CA1373843.